The following is an entry in ClinVar:

ClinVar aggregate classification (germline): Uncertain significance (1 of 4 stars; one submission).

Allele frequency attached by ClinVar (database versions not stated): gnomAD exomes below 0.00001 and 0.00001; ExAC 0.00002; gnomAD 0.00002; TOPMed 0.00004.

Submission:

Labcorp Genetics (formerly Invitae), Labcorp
Classification: Uncertain significance. Last evaluated: 2023-10-04. Review status: criteria provided, single submitter. Criteria: Invitae Variant Classification Sherloc (09022015). Collection method: clinical testing. Allele origin: germline.
Comment: This sequence change creates a premature translational stop signal (p.Lys390Asnfs*6) in the GUCY2C gene. It is expected to result in an absent or disrupted protein product. However, the current clinical and genetic evidence is not sufficient to establish whether loss-of-function variants in GUCY2C cause disease. This variant is present in population databases (rs758284597, gnomAD 0.01%). This variant has not been reported in the literature in individuals affected with GUCY2C-related conditions. ClinVar contains an entry for this variant (Variation ID: 1356820). In summary, the available evidence is currently insufficient to determine the role of this variant in disease. Therefore, it has been classified as a Variant of Uncertain Significance.

NM_004963.4(GUCY2C):c.1167del (p.Lys390fs)

Genes: GUCY2C (guanylate cyclase 2C; minus strand), GUCY2C-AS1 (GUCY2C antisense RNA 1; plus strand). Cytogenetic location: 12p12.3.
Variant type: Deletion.
Coding change: c.1167del on transcript NM_004963.4 (MANE Select); coding-DNA position 1167, one base deleted (G; older notation c.1167delG).
Protein change: p.Lys390fs; shifts the reading frame from lysine 390.
Molecular consequence: frameshift variant.
Genome position (GRCh38, 1-based): chr12:14,672,876, C deleted on the plus strand (G on the coding strand, the reverse complement: GUCY2C is on the minus strand). VCF-style (leftmost placement, unchanged base first): chr12-14672875-TC-T. GRCh37 (hg19) VCF-style: chr12-14825809-TC-T.
Other names: short protein forms K390fs.
Identifiers: ClinVar variation 1356820 (VCV001356820.6), dbSNP rs758284597, ClinGen allele CA6463524.